The following is an entry in ClinVar:

NM_004444.5(EPHB4):c.2095G>A (p.Gly699Ser)

Gene: EPHB4 (EPH receptor B4; minus strand). Cytogenetic location: 7q22.1.
Variant type: single nucleotide variant.
Coding change: c.2095G>A on transcript NM_004444.5 (MANE Select); coding-DNA position 2095, G replaced by A.
Protein change: p.Gly699Ser; replaces glycine 699 with serine.
Molecular consequence: missense variant.
Genome position (GRCh38, 1-based): chr7:100,812,770, C>T on the plus strand (G>A on the coding strand, the complement: EPHB4 is on the minus strand). VCF-style: chr7-100812770-C-T. GRCh37 (hg19) VCF-style: chr7-100410392-C-T.
Other names: short protein forms G699S.
Identifiers: ClinVar variation 4614121 (VCV004614121.2).
Genomic context (GRCh38, chr7:100,812,770, plus strand): 5'-ACTCCGGGTGGCCGCAGAAGCCAGGGAGGGTGCTCACCCGCAGGAAGGAGTCCAGGGCGC[C>T]GTTCTCCATGAACTCTGTGAGAATCATGACGGGCATGCTGTTGGTGACCACGCCCTCCAG-3'
Protein context (NP_004435.3, residues 689-709): VMILTEFMEN[Gly699Ser]ALDSFLRLND

ClinVar aggregate classification (germline): Uncertain significance. Review status: criteria provided, multiple submitters, no conflicts (2 of 4 stars). 2 submissions from 2 submitters: Uncertain significance (2). Last evaluated 2026-02-02.

Conditions:
Cardiovascular phenotype. Identifiers: MedGen CN230736.

gnomAD v4.1: 20 of 1,613,872 alleles (0.0012%); highest among the groups gnomAD compares: Non-Finnish European, 0.0015%; no homozygotes.

Submissions (2):

GeneDx
Classification: Uncertain significance. Last evaluated: 2026-02-02. Review status: criteria provided, single submitter. Criteria: GeneDx Variant Classification Process June 2021. Collection method: clinical testing. Allele origin: germline.
Comment: Not observed at significant frequency in large population cohorts (gnomAD); In silico analysis supports that this missense variant has a deleterious effect on protein structure/function; Has not been previously published as pathogenic or benign to our knowledge

Ambry Genetics
Classification: Uncertain significance for Cardiovascular phenotype. Last evaluated: 2025-10-05. Review status: criteria provided, single submitter. Criteria: Ambry Variant Classification Scheme 2023. Collection method: clinical testing. Allele origin: germline.
Comment: The p.G699S variant (also known as c.2095G>A), located in coding exon 12 of the EPHB4 gene, results from a G to A substitution at nucleotide position 2095. The glycine at codon 699 is replaced by serine, an amino acid with similar properties. This amino acid position is conserved. In addition, this alteration is predicted to be deleterious by in silico analysis. Based on the available evidence, the clinical significance of this variant remains unclear.